The following is an entry in ClinVar:

NM_004329.3(BMPR1A):c.60T>C (p.Arg20=)

Gene: BMPR1A (bone morphogenetic protein receptor type 1A; plus strand). Cytogenetic location: 10q23.2.
Variant type: single nucleotide variant.
Coding change: c.60T>C on transcript NM_004329.3 (MANE Select); coding-DNA position 60, T replaced by C.
Protein change: p.Arg20=; no amino-acid change (arginine 20 retained).
Molecular consequence: synonymous variant.
Genome position (GRCh38, 1-based): chr10:86,876,078, T>C. VCF-style: chr10-86876078-T-C. GRCh37 (hg19) VCF-style: chr10-88635835-T-C.
Other names: c.60T>C (NM_004329.2).
Identifiers: ClinVar variation 1641385 (VCV001641385.10), dbSNP rs780704079, ClinGen allele CA5585412.

ClinVar aggregate classification (germline): Benign/Likely benign. Review status: criteria provided, multiple submitters, no conflicts (2 of 4 stars). 3 submissions from 3 submitters: Benign (1); Likely benign (2). Last evaluated 2025-12-21.

Conditions:
Hereditary cancer-predisposing syndrome. Also called: Tumor predisposition; Hereditary Cancer Syndrome; Hereditary neoplastic syndrome; Neoplastic Syndromes, Hereditary. Identifiers: Orphanet 140162, MedGen C0027672, MeSH D009386, MONDO:0015356.
Juvenile polyposis syndrome (JPS). Identifiers: Orphanet 2929, MedGen C0345893, MONDO:0017380, OMIM 174900.

Allele frequency attached by ClinVar (database versions not stated): gnomAD exomes 0.00001; ExAC 0.00002.
gnomAD v4.1: 6 of 1,610,338 alleles (0.00037%); highest among the groups gnomAD compares: Non-Finnish European, 0.00034%; no homozygotes.

Submissions (3):

Ambry Genetics
Classification: Likely benign for Hereditary cancer-predisposing syndrome. Last evaluated: 2025-12-21. Review status: criteria provided, single submitter. Criteria: Ambry Variant Classification Scheme 2023. Collection method: clinical testing. Allele origin: germline.

Myriad Genetics, Inc.
Classification: Benign for Juvenile polyposis syndrome. Last evaluated: 2024-07-30. Review status: criteria provided, single submitter. Criteria: Myriad Autosomal Dominant, Autosomal Recessive and X-Linked Classification Criteria (2023). Collection method: clinical testing. Allele origin: unknown.
Comment: This variant is considered benign. This variant is a silent/synonymous amino acid change and it is not expected to impact splicing.

Labcorp Genetics (formerly Invitae), Labcorp
Classification: Likely benign for Juvenile polyposis syndrome. Last evaluated: 2023-09-12. Review status: criteria provided, single submitter. Criteria: Invitae Variant Classification Sherloc (09022015). Collection method: clinical testing. Allele origin: germline.